The following is an entry in ClinVar:

NM_000455.5(STK11):c.734+5G>A

Gene: STK11 (serine/threonine kinase 11; plus strand). Cytogenetic location: 19p13.3.
Variant type: single nucleotide variant.
Coding change: c.734+5G>A on transcript NM_000455.5 (MANE Select); 5 bases into the intron after coding-DNA position 734, G replaced by A.
Molecular consequence: intron variant.
Genome position (GRCh38, 1-based): chr19:1,220,722, G>A. VCF-style: chr19-1220722-G-A. GRCh37 (hg19) VCF-style: chr19-1220721-G-A.
Identifiers: ClinVar variation 2138175 (VCV002138175.4), dbSNP rs2145425576, ClinGen allele CA2580096100.

ClinVar aggregate classification (germline): Pathogenic (1 of 4 stars; one submission).

Conditions:
Peutz-Jeghers syndrome (PJS). Also called: POLYPOSIS, HAMARTOMATOUS INTESTINAL; POLYPS-AND-SPOTS SYNDROME; Peutz-Jeghers polyposis; Periorificial lentiginosis syndrome. Identifiers: Orphanet 2869, MedGen C0031269, MeSH D010580, MONDO:0008280, OMIM 175200.

Submission:

Labcorp Genetics (formerly Invitae), Labcorp
Classification: Pathogenic for Peutz-Jeghers syndrome. Last evaluated: 2024-02-08. Review status: criteria provided, single submitter. Criteria: Invitae Variant Classification Sherloc (09022015). Collection method: clinical testing. Allele origin: germline.
Comment: This sequence change falls in intron 5 of the STK11 gene. It does not directly change the encoded amino acid sequence of the STK11 protein. RNA analysis indicates that this variant induces altered splicing and may result in an absent or disrupted protein product. This variant is not present in population databases (gnomAD no frequency). This variant has been observed in individuals with Peutz-Jeghers syndrome (PMID: 9837816, 27721366; Invitae). It has also been observed to segregate with disease in related individuals. ClinVar contains an entry for this variant (Variation ID: 2138175). Variants that disrupt the consensus splice site are a relatively common cause of aberrant splicing (PMID: 17576681, 9536098). Studies have shown that this variant results in partial deletion of exon 5 and introduces a premature termination codon (Invitae). The resulting mRNA is expected to undergo nonsense-mediated decay. For these reasons, this variant has been classified as Pathogenic.

Literature cited by the submitters: PubMed 9837816; PubMed 27721366; PubMed 17576681; PubMed 9536098.